The following is an entry in ClinVar:

NM_000181.4(GUSB):c.959A>C (p.Tyr320Ser)

Gene: GUSB (glucuronidase beta; minus strand). Cytogenetic location: 7q11.21.
Variant type: single nucleotide variant.
Coding change: c.959A>C on transcript NM_000181.4 (MANE Select); coding-DNA position 959, A replaced by C.
Protein change: p.Tyr320Ser; replaces tyrosine 320 with serine.
Molecular consequence: missense variant. On other transcripts: non-coding transcript variant (1).
Genome position (GRCh38, 1-based): chr7:65,975,025, T>G on the plus strand (A>C on the coding strand, the complement: GUSB is on the minus strand). VCF-style: chr7-65975025-T-G. GRCh37 (hg19) VCF-style: chr7-65440012-T-G.
Other names: c.521A>C, p.Tyr174Ser (NM_001284290.2); c.389A>C, p.Tyr130Ser (NM_001293104.2); c.302A>C, p.Tyr101Ser (NM_001293105.2); short protein forms Y320S, Y130S, Y101S, Y174S.
Identifiers: ClinVar variation 291183 (VCV000291183.6), dbSNP rs886044680, ClinGen allele CA10607051.
Genomic context (GRCh38, chr7:65,975,025, plus strand): 5'-CCATTGATGAGGAACTGGCTCTTGGTGACAGCCACAGTGCGGATCCCCACAGGGAGTGTG[T>G]AGAAGTCAGACACAGGCCCCAGTGACGTCTGTGCAGTCAGCTGCACCTATGACAGCCAAA-3'
Protein context (NP_000172.2, residues 310-330): QTSLGPVSDF[Tyr320Ser]TLPVGIRTVA

ClinVar aggregate classification (germline): Conflicting classifications of pathogenicity. Review status: criteria provided, conflicting classifications (1 of 4 stars). 2 submissions from 2 submitters: Likely pathogenic (1); Uncertain significance (1). Last evaluated 2022-08-09.

Conditions:
Mucopolysaccharidosis type 7 (MPS7). Also called: BETA-GLUCURONIDASE DEFICIENCY; GUSB DEFICIENCY; SLY SYNDROME; MPS VII. Identifiers: Orphanet 584, MedGen C0085132, MONDO:0009662, OMIM 253220.

Allele frequency attached by ClinVar (database versions not stated): gnomAD 0.00001; gnomAD exomes 0.00001.
gnomAD v4.1: 14 of 1,613,296 alleles (0.00087%); highest among the groups gnomAD compares: Non-Finnish European, 0.00034%; no homozygotes.

Submissions (2):

Labcorp Genetics (formerly Invitae), Labcorp
Classification: Uncertain significance for Mucopolysaccharidosis type 7. Last evaluated: 2022-08-09. Review status: criteria provided, single submitter. Criteria: Invitae Variant Classification Sherloc (09022015). Collection method: clinical testing. Allele origin: germline.
Comment: This sequence change replaces tyrosine, which is neutral and polar, with serine, which is neutral and polar, at codon 320 of the GUSB protein (p.Tyr320Ser). This variant is present in population databases (no rsID available, gnomAD 0.008%). This missense change has been observed in individual(s) with mucopolysaccharidosis type VII (MPS VII) (PMID: 8644704). ClinVar contains an entry for this variant (Variation ID: 291183). Algorithms developed to predict the effect of missense changes on protein structure and function are either unavailable or do not agree on the potential impact of this missense change (SIFT: "Deleterious"; PolyPhen-2: "Probably Damaging"; Align-GVGD: "Class C0"). Experimental studies have shown that this missense change affects GUSB function (PMID: 8644704). In summary, the available evidence is currently insufficient to determine the role of this variant in disease. Therefore, it has been classified as a Variant of Uncertain Significance.

Eurofins Ntd Llc (ga)
Classification: Likely pathogenic. Last evaluated: 2016-09-12. Review status: criteria provided, single submitter. Criteria: EGL Classification Definitions 2015. Collection method: clinical testing. Allele origin: germline. Observed: 1 variant allele, 1 heterozygote.

Literature cited by the submitters: PubMed 8644704 (cited by Labcorp Genetics (formerly Invitae), Labcorp).